The following is an entry in ClinVar:

ClinVar aggregate classification (germline): Uncertain significance. Review status: criteria provided, multiple submitters, no conflicts (2 of 4 stars). 2 submissions from 2 submitters: Uncertain significance (2). Last evaluated 2025-09-09.

gnomAD v4.1: 21 of 1,614,050 alleles (0.0013%); highest among the groups gnomAD compares: South Asian, 0.0044%; 1 homozygote.

Submissions (2):

Women's Health and Genetics/Laboratory Corporation of America, LabCorp
Classification: Uncertain significance. Last evaluated: 2025-09-09. Review status: criteria provided, single submitter. Criteria: LabCorp Variant Classification Summary - May 2015. Collection method: clinical testing. Allele origin: germline.
Comment: Variant summary: SYNE1 c.23815C>T (p.Arg7939Cys) results in a non-conservative amino acid change in the encoded protein sequence. Algorithms developed to predict the effect of missense changes on protein structure and function all suggest that this variant is likely to be disruptive. The variant allele was found at a frequency of 1.2e-05 in 251426 control chromosomes. The available data on variant occurrences in the general population are insufficient to allow any conclusion about variant significance. To our knowledge, no occurrence of c.23815C>T in individuals affected with SYNE1-related conditions and no experimental evidence demonstrating its impact on protein function have been reported. ClinVar contains an entry for this variant (Variation ID: 3571940). Based on the evidence outlined above, the variant was classified as uncertain significance.

Athena Diagnostics
Classification: Uncertain significance. Last evaluated: 2024-02-28. Review status: criteria provided, single submitter. Criteria: Athena Diagnostics Criteria. Collection method: clinical testing. Allele origin: unknown.
Comment: Available data are insufficient to determine the clinical significance of the variant at this time. The frequency of this variant in the general population is uninformative in assessment of its pathogenicity. Computational tools disagree on the variant's effect on normal protein function.

NM_182961.4(SYNE1):c.24028C>T (p.Arg8010Cys)

Gene: SYNE1 (spectrin repeat containing nuclear envelope protein 1; minus strand). Cytogenetic location: 6q25.2.
Variant type: single nucleotide variant.
Coding change: c.24028C>T on transcript NM_182961.4 (MANE Select); coding-DNA position 24028, C replaced by T.
Protein change: p.Arg8010Cys; replaces arginine 8010 with cysteine.
Molecular consequence: missense variant.
Genome position (GRCh38, 1-based): chr6:152,154,993, G>A on the plus strand (C>T on the coding strand, the complement: SYNE1 is on the minus strand). VCF-style: chr6-152154993-G-A. GRCh37 (hg19) VCF-style: chr6-152476128-G-A.
Other names: c.634C>T, p.Arg212Cys (NM_001347701.2); c.493C>T, p.Arg165Cys (NM_001347702.2); c.23815C>T, p.Arg7939Cys (NM_033071.5); short protein forms R7939C, R8010C, R165C, R212C.
Identifiers: ClinVar variation 3571940 (VCV003571940.2).